The following is an entry in ClinVar:

NM_139276.3(STAT3):c.798-3C>G

Gene: STAT3 (signal transducer and activator of transcription 3; minus strand). Cytogenetic location: 17q21.2.
Variant type: single nucleotide variant.
Coding change: c.798-3C>G on transcript NM_139276.3 (MANE Select); 3 bases into the intron before coding-DNA position 798, C replaced by G.
Molecular consequence: intron variant.
Genome position (GRCh38, 1-based): chr17:42,334,052, G>C on the plus strand (C>G on the coding strand, the complement: STAT3 is on the minus strand). VCF-style: chr17-42334052-G-C. GRCh37 (hg19) VCF-style: chr17-40486070-G-C.
Other names: c.798-3C>G (NM_001369519.1, NM_003150.4, NM_001369517.1 and 7 more transcripts).
Identifiers: ClinVar variation 947443 (VCV000947443.10), dbSNP rs1436513249, ClinGen allele CA626049694.

ClinVar aggregate classification (germline): Uncertain significance (1 of 4 stars; one submission).

Conditions:
Hyper-IgE recurrent infection syndrome 1, autosomal dominant. Also called: STAT3 Hyper IgE Syndrome; JOB SYNDROME; Hyper-IgE recurrent infection syndrome 1; HYPER-IgE SYNDROME 1, AUTOSOMAL DOMINANT, WITH RECURRENT INFECTIONS; Job's Syndrome. Identifiers: Orphanet 2314, MedGen C2936739, MONDO:0007818, OMIM 147060.
STAT3 gain of function. Identifiers: MedGen C4288261.

Allele frequency attached by ClinVar (database versions not stated): gnomAD exomes below 0.00001 and 0.00001; gnomAD 0.00001; TOPMed 0.00002.
gnomAD v4.1: 6 of 1,613,840 alleles (0.00037%); highest among the groups gnomAD compares: African/African-American, 0.0053%; no homozygotes.

Submission:

Labcorp Genetics (formerly Invitae), Labcorp
Classification: Uncertain significance for STAT3 gain of function; Hyper-IgE recurrent infection syndrome 1, autosomal dominant. Last evaluated: 2019-05-15. Review status: criteria provided, single submitter. Criteria: Invitae Variant Classification Sherloc (09022015). Collection method: clinical testing. Allele origin: germline.
Comment: In summary, the available evidence is currently insufficient to determine the role of this variant in disease. Therefore, it has been classified as a Variant of Uncertain Significance. Nucleotide substitutions within the consensus splice site are a relatively common cause of aberrant splicing (PMID: 17576681, 9536098). Algorithms developed to predict the effect of sequence changes on RNA splicing suggest that this variant may disrupt the consensus splice site, but this prediction has not been confirmed by published transcriptional studies. This variant has not been reported in the literature in individuals with STAT3-related conditions. This variant is not present in population databases (ExAC no frequency). This sequence change falls in intron 8 of the STAT3 gene. It does not directly change the encoded amino acid sequence of the STAT3 protein, but it affects a nucleotide within the consensus splice site of the intron.

Literature cited by the submitters: PubMed 17576681; PubMed 9536098.